The following is an entry in ClinVar:

ClinVar aggregate classification (germline): Uncertain significance (1 of 4 stars; one submission).

Conditions:
Dystonia 12 (DYT12). Also called: DYT-ATP1A3; Rapid-Onset Dystonia-Parkinsonism (RDP). Identifiers: Orphanet 71517, MedGen C1868681, MONDO:0007496, OMIM 128235.

Allele frequency attached by ClinVar (database versions not stated): ExAC 0.00001.
gnomAD v4.1: 5 of 1,614,154 alleles (0.00031%); highest among the groups gnomAD compares: Non-Finnish European, 0.00017%; no homozygotes.

Submission:

Labcorp Genetics (formerly Invitae), Labcorp
Classification: Uncertain significance for Dystonia 12. Last evaluated: 2023-08-29. Review status: criteria provided, single submitter. Criteria: Invitae Variant Classification Sherloc (09022015). Collection method: clinical testing. Allele origin: germline.
Comment: Advanced modeling of protein sequence and biophysical properties (such as structural, functional, and spatial information, amino acid conservation, physicochemical variation, residue mobility, and thermodynamic stability) performed at Invitae indicates that this missense variant is expected to disrupt ATP1A3 protein function. In summary, the available evidence is currently insufficient to determine the role of this variant in disease. Therefore, it has been classified as a Variant of Uncertain Significance. This variant has not been reported in the literature in individuals affected with ATP1A3-related conditions. This variant is present in population databases (rs782018096, gnomAD 0.009%). This sequence change replaces arginine, which is basic and polar, with cysteine, which is neutral and slightly polar, at codon 340 of the ATP1A3 protein (p.Arg340Cys).

NM_152296.5(ATP1A3):c.1018C>T (p.Arg340Cys)

Gene: ATP1A3 (ATPase Na+/K+ transporting subunit alpha 3; minus strand). Cytogenetic location: 19q13.2.
Variant type: single nucleotide variant.
Coding change: c.1018C>T on transcript NM_152296.5 (MANE Select); coding-DNA position 1018, C replaced by T.
Protein change: p.Arg340Cys; replaces arginine 340 with cysteine.
Molecular consequence: missense variant.
Genome position (GRCh38, 1-based): chr19:41,982,082, G>A on the plus strand (C>T on the coding strand, the complement: ATP1A3 is on the minus strand). VCF-style: chr19-41982082-G-A. GRCh37 (hg19) VCF-style: chr19-42486234-G-A.
Other names: c.1051C>T, p.Arg351Cys (NM_001256213.2); c.1057C>T, p.Arg353Cys (NM_001256214.2); short protein forms R353C, R351C, R340C.
Identifiers: ClinVar variation 2859838 (VCV002859838.3), dbSNP rs782018096, ClinGen allele CA9467725.